The following is an entry in ClinVar:

ClinVar aggregate classification (germline): Uncertain significance (1 of 4 stars; one submission).

Allele frequency attached by ClinVar (database versions not stated): gnomAD exomes below 0.00001; gnomAD 0.00001.
gnomAD v4.1: 2 of 1,612,348 alleles (0.00012%); highest among the groups gnomAD compares: Admixed American, 0.0017%; no homozygotes.

Submission:

Labcorp Genetics (formerly Invitae), Labcorp
Classification: Uncertain significance. Last evaluated: 2022-07-06. Review status: criteria provided, single submitter. Criteria: Invitae Variant Classification Sherloc (09022015). Collection method: clinical testing. Allele origin: germline.
Comment: In summary, the available evidence is currently insufficient to determine the role of this variant in disease. Therefore, it has been classified as a Variant of Uncertain Significance. ClinVar contains an entry for this variant (Variation ID: 1373028). This variant has not been reported in the literature in individuals affected with DHX38-related conditions. This variant is not present in population databases (gnomAD no frequency). This sequence change creates a premature translational stop signal (p.Arg294*) in the DHX38 gene. It is expected to result in an absent or disrupted protein product. However, the current clinical and genetic evidence is not sufficient to establish whether loss-of-function variants in DHX38 cause disease.

NM_014003.4(DHX38):c.880C>T (p.Arg294Ter)

Gene: DHX38 (DEAH-box helicase 38; plus strand). Cytogenetic location: 16q22.2.
Variant type: single nucleotide variant.
Coding change: c.880C>T on transcript NM_014003.4 (MANE Select); coding-DNA position 880, C replaced by T.
Protein change: p.Arg294Ter; replaces arginine 294 with a stop codon.
Molecular consequence: nonsense.
Genome position (GRCh38, 1-based): chr16:72,099,042, C>T. VCF-style: chr16-72099042-C-T. GRCh37 (hg19) VCF-style: chr16-72132941-C-T.
Other names: short protein forms R294*.
Identifiers: ClinVar variation 1373028 (VCV001373028.6), dbSNP rs2042061073, ClinGen allele CA396703626.